The following is an entry in ClinVar:

ClinVar aggregate classification (germline): Uncertain significance (0 of 4 stars; one submission).

Conditions:
COL18A1-related disorder. Also called: COL18A1-related condition; COL18A1-related disorders.

gnomAD v4.1: 4 of 1,603,214 alleles (0.00025%); highest among the groups gnomAD compares: Non-Finnish European, 0.00034%; no homozygotes.

Submission:

PreventionGenetics, part of Exact Sciences
Classification: Uncertain significance for COL18A1-related condition. Last evaluated: 2024-08-23. Review status: no assertion criteria provided. Collection method: clinical testing. Allele origin: germline.
Comment: The COL18A1 c.3475G>A variant is predicted to result in the amino acid substitution p.Gly1159Ser. To our knowledge, this variant has not been reported in the literature. This variant is reported in 0.036% of alleles in individuals of European (Non-Finnish) descent in gnomAD. At this time, the clinical significance of this variant is uncertain due to the absence of conclusive functional and genetic evidence.

NM_001379500.1(COL18A1):c.2944G>A (p.Gly982Arg)

Genes: SLC19A1 (solute carrier family 19 member 1; minus strand), COL18A1 (collagen type XVIII alpha 1 chain; plus strand). Cytogenetic location: 21q22.3.
Variant type: single nucleotide variant.
Coding change: c.2944G>A on transcript NM_001379500.1 (MANE Select); coding-DNA position 2944, G replaced by A.
Protein change: p.Gly982Arg; replaces glycine 982 with arginine.
Molecular consequence: missense variant.
Genome position (GRCh38, 1-based): chr21:45,505,209, G>A. VCF-style: chr21-45505209-G-A. GRCh37 (hg19) VCF-style: chr21-46925123-G-A.
Other names: c.3475G>A, p.Gly1159Arg (NM_030582.4); c.4180G>A, p.Gly1394Arg (NM_130444.3); short protein forms G1159R, G1394R, G982R.
Identifiers: ClinVar variation 3351260 (VCV003351260.1).